The following is an entry in ClinVar:

NM_004393.6(DAG1):c.1688G>A (p.Gly563Asp)

Gene: DAG1 (dystroglycan 1; plus strand). Cytogenetic location: 3p21.31.
Variant type: single nucleotide variant.
Coding change: c.1688G>A on transcript NM_004393.6 (MANE Select); coding-DNA position 1688, G replaced by A.
Protein change: p.Gly563Asp; replaces glycine 563 with aspartic acid.
Molecular consequence: missense variant.
Genome position (GRCh38, 1-based): chr3:49,532,199, G>A. VCF-style: chr3-49532199-G-A. GRCh37 (hg19) VCF-style: chr3-49569632-G-A.
Other names: c.1688G>A, p.Gly563Asp (NM_001165928.4, NM_001177634.3, NM_001177635.3 and 9 more transcripts); short protein forms G563D.
Identifiers: ClinVar variation 1504018 (VCV001504018.8), dbSNP rs2107942332, ClinGen allele CA352795933.
Genomic context (GRCh38, chr3:49,532,199, plus strand): 5'-AGCAGCTGGTGGGCGAGAAGTCCTGGGTACAGTTCAACAGCAACAGCCAGCTCATGTATG[G>A]CCTTCCCGACAGCAGCCACGTGGGCAAACACGAGTATTTCATGCATGCCACAGACAAGGG-3'
Protein context (NP_004384.5, residues 553-573): QFNSNSQLMY[Gly563Asp]LPDSSHVGKH

ClinVar aggregate classification (germline): Uncertain significance (1 of 4 stars; one submission).

Conditions:
Muscular dystrophy-dystroglycanopathy (congenital with brain and eye anomalies), type A9. Also called: Muscular dystrophy-dystroglycanopathy (congenital with brain and eye anomalies), type a, 9; WALKER-WARBURG SYNDROME OR MUSCLE-EYE BRAIN DISEASE, DAG1-RELATED. Identifiers: Orphanet 370997, Orphanet 899, MedGen C4225291, MONDO:0014683, OMIM 616538.
Autosomal recessive limb-girdle muscular dystrophy type 2P. Also called: MUSCULAR DYSTROPHY-DYSTROGLYCANOPATHY, LIMB-GIRDLE, DAG1-RELATED; Limb-Girdle Muscular Dystrophy Type 9C; MUSCULAR DYSTROPHY, LIMB-GIRDLE, TYPE 2P. Identifiers: Orphanet 280333, MedGen C4511963, MONDO:0013440, OMIM 613818.

Submission:

Labcorp Genetics (formerly Invitae), Labcorp
Classification: Uncertain significance for Autosomal recessive limb-girdle muscular dystrophy type 2P; Muscular dystrophy-dystroglycanopathy (congenital with brain and eye anomalies), type A9. Last evaluated: 2021-01-20. Review status: criteria provided, single submitter. Criteria: Invitae Variant Classification Sherloc (09022015). Collection method: clinical testing. Allele origin: germline.
Comment: This sequence change replaces glycine with aspartic acid at codon 563 of the DAG1 protein (p.Gly563Asp). The glycine residue is highly conserved and there is a moderate physicochemical difference between glycine and aspartic acid. This variant is not present in population databases (ExAC no frequency). This variant has not been reported in the literature in individuals with DAG1-related conditions. Algorithms developed to predict the effect of missense changes on protein structure and function are either unavailable or do not agree on the potential impact of this missense change (SIFT: "Tolerated"; PolyPhen-2: "Probably Damaging"; Align-GVGD: "Class C0"). In summary, the available evidence is currently insufficient to determine the role of this variant in disease. Therefore, it has been classified as a Variant of Uncertain Significance.